The following is an entry in ClinVar:

ClinVar aggregate classification (germline): Uncertain significance (1 of 4 stars; one submission).

Allele frequency attached by ClinVar (database versions not stated): TOPMed below 0.00001; gnomAD 0.00001; gnomAD exomes 0.00001.
gnomAD v4.1: 20 of 1,613,996 alleles (0.0012%); highest among the groups gnomAD compares: Non-Finnish European, 0.0016%; no homozygotes.

Submission:

Labcorp Genetics (formerly Invitae), Labcorp
Classification: Uncertain significance. Last evaluated: 2024-11-12. Review status: criteria provided, single submitter. Criteria: Invitae Variant Classification Sherloc (09022015). Collection method: clinical testing. Allele origin: germline.
Comment: This sequence change replaces methionine, which is neutral and non-polar, with valine, which is neutral and non-polar, at codon 459 of the TRPC6 protein (p.Met459Val). This variant is not present in population databases (gnomAD no frequency). This variant has not been reported in the literature in individuals affected with TRPC6-related conditions. ClinVar contains an entry for this variant (Variation ID: 1420117). Invitae Evidence Modeling of protein sequence and biophysical properties (such as structural, functional, and spatial information, amino acid conservation, physicochemical variation, residue mobility, and thermodynamic stability) indicates that this missense variant is not expected to disrupt TRPC6 protein function with a negative predictive value of 95%. In summary, the available evidence is currently insufficient to determine the role of this variant in disease. Therefore, it has been classified as a Variant of Uncertain Significance.

NM_004621.6(TRPC6):c.1375A>G (p.Met459Val)

Gene: TRPC6 (transient receptor potential cation channel subfamily C member 6; minus strand). Cytogenetic location: 11q22.1.
Variant type: single nucleotide variant.
Coding change: c.1375A>G on transcript NM_004621.6 (MANE Select); coding-DNA position 1375, A replaced by G.
Protein change: p.Met459Val; replaces methionine 459 with valine.
Molecular consequence: missense variant.
Genome position (GRCh38, 1-based): chr11:101,483,084, T>C on the plus strand (A>G on the coding strand, the complement: TRPC6 is on the minus strand). VCF-style: chr11-101483084-T-C. GRCh37 (hg19) VCF-style: chr11-101353815-T-C.
Other names: short protein forms M459V.
Identifiers: ClinVar variation 1420117 (VCV001420117.6), dbSNP rs201918314, ClinGen allele CA227518916.